The following is an entry in ClinVar:

ClinVar aggregate classification (germline): Uncertain significance (1 of 4 stars; one submission).

Conditions:
Neuronal ceroid lipofuscinosis 1 (CLN1). Also called: CEROID LIPOFUSCINOSIS, NEURONAL, 1, VARIABLE AGE AT ONSET; PPT1-Related Neuronal Ceroid-Lipofuscinosis. Identifiers: Orphanet 228329, MedGen C1850451, MONDO:0009744, OMIM 256730.

gnomAD v4.1: 14 of 1,612,900 alleles (0.00087%); highest among the groups gnomAD compares: Admixed American, 0.02%; no homozygotes.

Submission:

Labcorp Genetics (formerly Invitae), Labcorp
Classification: Uncertain significance for Neuronal ceroid lipofuscinosis 1. Last evaluated: 2020-01-30. Review status: criteria provided, single submitter. Criteria: Invitae Variant Classification Sherloc (09022015). Collection method: clinical testing. Allele origin: germline.
Comment: This sequence change affects codon 121 of the PPT1 mRNA. It is a 'silent' change, meaning that it does not change the encoded amino acid sequence of the PPT1 protein. This variant is not present in population databases (ExAC no frequency). This variant has not been reported in the literature in individuals with PPT1-related conditions. Algorithms developed to predict the effect of sequence changes on RNA splicing suggest that this variant is not likely to affect RNA splicing, but this prediction has not been confirmed by published transcriptional studies. In summary, the available evidence is currently insufficient to determine the role of this variant in disease. Therefore, it has been classified as a Variant of Uncertain Significance.

NM_000310.4(PPT1):c.363G>A (p.Leu121=)

Gene: PPT1 (palmitoyl-protein thioesterase 1; minus strand). Cytogenetic location: 1p34.2.
Variant type: single nucleotide variant.
Coding change: c.363G>A on transcript NM_000310.4 (MANE Select); coding-DNA position 363, G replaced by A.
Protein change: p.Leu121=; no amino-acid change (leucine 121 retained).
Molecular consequence: synonymous variant. On other transcripts: intron variant (1).
Genome position (GRCh38, 1-based): chr1:40,091,399, C>T on the plus strand (G>A on the coding strand, the complement: PPT1 is on the minus strand). VCF-style: chr1-40091399-C-T. GRCh37 (hg19) VCF-style: chr1-40557071-C-T.
Other names: c.363G>A, p.Leu121= (NM_001363695.2); c.125-1887G>A (NM_001142604.2).
Identifiers: ClinVar variation 2417709 (VCV002417709.4), dbSNP rs201820661, ClinGen allele CA21015862.